The following is an entry in ClinVar:

NM_001005273.3(CHD3):c.4494del (p.Lys1500fs)

Gene: CHD3 (chromodomain helicase DNA binding protein 3; plus strand). Cytogenetic location: 17p13.1.
Variant type: Deletion.
Coding change: c.4494del on transcript NM_001005273.3 (MANE Select); coding-DNA position 4494, one base deleted (C; older notation c.4494delC).
Protein change: p.Lys1500fs; shifts the reading frame from lysine 1500.
Molecular consequence: frameshift variant.
Genome position (GRCh38, 1-based): chr17:7,906,688, C deleted. VCF-style (leftmost placement, unchanged base first): chr17-7906687-TC-T. GRCh37 (hg19) VCF-style: chr17-7810005-TC-T.
Other names: c.4671del, p.Lys1559fs (NM_001005271.3); c.4494del, p.Lys1500fs (NM_005852.4); short protein forms K1559fs, K1500fs.
Identifiers: ClinVar variation 3491955 (VCV003491955.1).

ClinVar aggregate classification (germline): Pathogenic (1 of 4 stars; one submission).

Conditions:
Inborn genetic diseases. Identifiers: MedGen C0950123, MeSH D030342.

Submission:

Ambry Genetics
Classification: Pathogenic for Inborn genetic diseases. Last evaluated: 2024-11-12. Review status: criteria provided, single submitter. Criteria: Ambry Variant Classification Scheme 2023. Collection method: clinical testing. Allele origin: germline.
Comment: The c.4671delC (p.K1559Rfs*18) alteration, located in exon 29 (coding exon 29) of the CHD3 gene, consists of a deletion of one nucleotide at position 4671, causing a translational frameshift with a predicted alternate stop codon after 18 amino acids. This alteration is expected to result in loss of function by premature protein truncation or nonsense-mediated mRNA decay. This variant was not reported in population-based cohorts in the Genome Aggregation Database (gnomAD). Based on the available evidence, this alteration is classified as pathogenic.